The following is an entry in ClinVar:

ClinVar aggregate classification (germline): Uncertain significance. Review status: criteria provided, multiple submitters, no conflicts (2 of 4 stars). 3 submissions from 3 submitters: Uncertain significance (3). Last evaluated 2026-06-20.

Conditions:
Mitochondrial complex II deficiency, nuclear type 1. Also called: SUCCINATE CoQ REDUCTASE DEFICIENCY. Identifiers: Orphanet 3208, MedGen C5700310, MONDO:0100294, OMIM 252011.
Pheochromocytoma/paraganglioma syndrome 5. Also called: Paragangliomas 5; SDHA-Related Hereditary Paraganglioma-Pheochromocytoma Syndrome. Identifiers: Orphanet 29072, MedGen C3279992, MONDO:0013602, OMIM 614165.
Hereditary cancer-predisposing syndrome. Also called: Hereditary Cancer Syndrome; Tumor predisposition; Neoplastic Syndromes, Hereditary; Hereditary neoplastic syndrome. Identifiers: Orphanet 140162, MedGen C0027672, MeSH D009386, MONDO:0015356.

Submissions (3):

Ambry Genetics
Classification: Uncertain significance for Hereditary cancer-predisposing syndrome. Last evaluated: 2026-06-20. Review status: criteria provided, single submitter. Criteria: Ambry Variant Classification Scheme 2023. Collection method: clinical testing. Allele origin: germline.
Comment: The p.Q136E variant (also known as c.406C>G), located in coding exon 4 of the SDHA gene, results from a C to G substitution at nucleotide position 406. The glutamine at codon 136 is replaced by glutamic acid, an amino acid with highly similar properties. This amino acid position is conserved. In addition, the in silico prediction for this alteration is inconclusive. Based on the available evidence, the clinical significance of this variant remains unclear.

Labcorp Genetics (formerly Invitae), Labcorp
Classification: Uncertain significance for Pheochromocytoma/paraganglioma syndrome 5; Mitochondrial complex II deficiency, nuclear type 1. Last evaluated: 2023-08-17. Review status: criteria provided, single submitter. Criteria: Invitae Variant Classification Sherloc (09022015). Collection method: clinical testing. Allele origin: germline.
Comment: This sequence change replaces glutamine, which is neutral and polar, with glutamic acid, which is acidic and polar, at codon 136 of the SDHA protein (p.Gln136Glu). This variant is not present in population databases (gnomAD no frequency). Advanced modeling of protein sequence and biophysical properties (such as structural, functional, and spatial information, amino acid conservation, physicochemical variation, residue mobility, and thermodynamic stability) performed at Invitae indicates that this missense variant is not expected to disrupt SDHA protein function. This variant has not been reported in the literature in individuals affected with SDHA-related conditions. ClinVar contains an entry for this variant (Variation ID: 1519691). In summary, the available evidence is currently insufficient to determine the role of this variant in disease. Therefore, it has been classified as a Variant of Uncertain Significance.

St. Jude Molecular Pathology, St. Jude Children's Research Hospital
Classification: Uncertain significance for Pheochromocytoma/paraganglioma syndrome 5. Last evaluated: 2022-07-07. Review status: criteria provided, single submitter. Criteria: St. Jude Assertion Criteria 2020. Collection method: clinical testing. Allele origin: germline.
Comment: The SDHA c.406C>G (p.Gln136Glu) missense change is absent in gnomAD v2.1.1. The in silico tool REVEL is inconclusive about a pathogenic or benign effect of this variant on protein function, and to our knowledge functional studies have not been performed. To our knowledge, this variant has not been reported in individuals with SDHA-associated tumors. In summary, the evidence currently available is insufficient to determine the clinical significance of this variant. It has therefore been classified as of uncertain significance.

NM_004168.4(SDHA):c.406C>G (p.Gln136Glu)

Gene: SDHA (succinate dehydrogenase complex flavoprotein subunit A; plus strand). Cytogenetic location: 5p15.33.
Variant type: single nucleotide variant.
Coding change: c.406C>G on transcript NM_004168.4 (MANE Select); coding-DNA position 406, C replaced by G.
Protein change: p.Gln136Glu; replaces glutamine 136 with glutamic acid.
Molecular consequence: missense variant. On other transcripts: intron variant (1).
Genome position (GRCh38, 1-based): chr5:225,512, C>G. VCF-style: chr5-225512-C-G. GRCh37 (hg19) VCF-style: chr5-225627-C-G.
Other names: c.406C>G, p.Gln136Glu (NM_001330758.2); c.313-371C>G (NM_001294332.2); c.406C>G (NM_004168.2); short protein forms Q136E.
Identifiers: ClinVar variation 1519691 (VCV001519691.10), dbSNP rs1365359024, ClinGen allele CA359009517.